The following continues an entry in ClinVar:

NM_000038.6(APC):c.3511C>T (p.Arg1171Cys)

Gene: APC. ClinVar aggregate classification (germline): Benign/Likely benign. Benign (7); Likely benign (12).

Submissions 21 to 22 of 22:

ITMI
No classification provided. Condition: AllHighlyPenetrant. Last evaluated: 2013-09-19. Review status: no classification provided. Collection method: reference population. Allele origin: germline. Not counted in ClinVar's aggregate classification.
Comment: Please see associated publication for description of ethnicities

Department of Pathology and Laboratory Medicine, Sinai Health System
Classification: Benign for Carcinoma of colon. Review status: no assertion criteria provided. Collection method: clinical testing. Allele origin: unknown. Affected: yes. Observed: 1 variant allele. Study: The Canadian Open Genetics Repository (COGR). Not counted in ClinVar's aggregate classification.
Comment: The APC p.Arg1171Cys variant was identified in 1 of 2520 proband chromosomes (frequency: 0.0002) from individuals or families with lynch syndrome and was present in 1 of 1362 control chromosomes (frequency: 0.0007) from healthy individuals (Bodian 2014, Yurgelun 2015). The variant was also identified in dbSNP (ID: rs201830995) as "With Likely benign allele ", ClinVar (classified as benign by Invitae and one clinical laboratory; as likely benign by Ambry Genetics, GeneDx and three clinical laboratories), Cosmic (6x in Stomach, Large intestine, Haematopoietic and lymphoid tissue or Endometrium), MutDB, LOVD 3.0 (4x), and in UMD-LSDB (1x likely neutral), databases. The variant was not identified in COGR, or Zhejiang University, databases. The variant was identified in control databases in 98 of 276674 chromosomes (2 homozygous) at a frequency of 0.0004 increasing the likelihood this could be a low frequency benign variant (Genome Aggregation Database Feb 27, 2017). The variant was observed in the following populations: African in 4 of 24006 chromosomes (freq: 0.0002), Other in 11 of 6450 chromosomes (freq: 0.002), Latino in 44 of 34406 chromosomes (freq: 0.001), European in 38 of 126368 chromosomes (freq: 0.0003), and South Asian in 1 of 30774 chromosomes (freq: 0.00003), while the variant was not observed in the Ashkenazi Jewish, East Asian, and Finnish, populations. The p.Arg1171 residue is not conserved in mammals and computational analyses (PolyPhen-2, SIFT, AlignGVGD, BLOSUM, MutationTaster) provide inconsistent predictions regarding the impact to the protein; this information is not very predictive of pathogenicity. The variant occurs outside of the splicing consensus sequence and in silico or computational prediction software programs (SpliceSiteFinder, MaxEntScan, NNSPLICE, GeneSplicer) do not predict a difference in splicing. In summary, based on the above information this variant meets our laboratory's criteria to be classified as benign.

Literature cited by the submitters: PubMed 9950360 (cited by Ambry Genetics); PubMed 25980754 (cited by Women's Health and Genetics/Laboratory Corporation of America, LabCorp); PubMed 24728327 (cited by Women's Health and Genetics/Laboratory Corporation of America, LabCorp and ITMI); PubMed 25981591 (cited by Women's Health and Genetics/Laboratory Corporation of America, LabCorp).